The following is an entry in ClinVar:

ClinVar aggregate classification (germline): Pathogenic (1 of 4 stars; one submission).

Conditions:
Epilepsy, familial focal, with variable foci 3 (FFEVF3). Identifiers: MedGen C4310708, MONDO:0014925, OMIM 617118.

Submission:

Labcorp Genetics (formerly Invitae), Labcorp
Classification: Pathogenic for Epilepsy, familial focal, with variable foci 3. Last evaluated: 2022-08-26. Review status: criteria provided, single submitter. Criteria: Invitae Variant Classification Sherloc (09022015). Collection method: clinical testing. Allele origin: germline.
Comment: For these reasons, this variant has been classified as Pathogenic. This variant has not been reported in the literature in individuals affected with NPRL3-related conditions. This variant is a gross deletion of the genomic region encompassing exon(s) 6-7 of the NPRL3 gene. This deletion is out-of-frame, and is expected to create a premature termination codon and result in an absent or disrupted protein product. Loss-of-function variants in NPRL3 are known to be pathogenic (PMID: 26285051, 26505888).

Literature cited by the submitters: PubMed 26285051; PubMed 26505888.

NC_000016.9:g.(?_160503)_(162794_?)del

Gene: NPRL3 (NPR3 like, GATOR1 complex subunit; minus strand). Cytogenetic location: 16p13.3.
Variant type: Deletion.
Identifiers: ClinVar variation 542816 (VCV000542816.7).